The following is an entry in ClinVar:

ClinVar aggregate classification (germline): Uncertain significance (1 of 4 stars; one submission).

Allele frequency attached by ClinVar (database versions not stated): TOPMed below 0.00001; gnomAD 0.00001.
gnomAD v4.1: 14 of 1,587,362 alleles (0.00088%); highest among the groups gnomAD compares: East Asian, 0.0023%; no homozygotes.

Submission:

Labcorp Genetics (formerly Invitae), Labcorp
Classification: Uncertain significance. Last evaluated: 2024-08-01. Review status: criteria provided, single submitter. Criteria: Invitae Variant Classification Sherloc (09022015). Collection method: clinical testing. Allele origin: germline.
Comment: This sequence change replaces glycine, which is neutral and non-polar, with arginine, which is basic and polar, at codon 2458 of the DCHS1 protein (p.Gly2458Arg). This variant is not present in population databases (gnomAD no frequency). This variant has not been reported in the literature in individuals affected with DCHS1-related conditions. Advanced modeling of protein sequence and biophysical properties (such as structural, functional, and spatial information, amino acid conservation, physicochemical variation, residue mobility, and thermodynamic stability) performed at Invitae indicates that this missense variant is not expected to disrupt DCHS1 protein function with a negative predictive value of 80%. In summary, the available evidence is currently insufficient to determine the role of this variant in disease. Therefore, it has been classified as a Variant of Uncertain Significance.

NM_003737.4(DCHS1):c.7372G>A (p.Gly2458Arg)

Gene: DCHS1 (dachsous cadherin-related 1; minus strand). Cytogenetic location: 11p15.4.
Variant type: single nucleotide variant.
Coding change: c.7372G>A on transcript NM_003737.4 (MANE Select); coding-DNA position 7372, G replaced by A.
Protein change: p.Gly2458Arg; replaces glycine 2458 with arginine.
Molecular consequence: missense variant.
Genome position (GRCh38, 1-based): chr11:6,624,304, C>T on the plus strand (G>A on the coding strand, the complement: DCHS1 is on the minus strand). VCF-style: chr11-6624304-C-T. GRCh37 (hg19) VCF-style: chr11-6645535-C-T.
Other names: short protein forms G2458R.
Identifiers: ClinVar variation 2902806 (VCV002902806.3), dbSNP rs1199752811, ClinGen allele CA379483209.